The following is an entry in ClinVar:

NM_015509.4(NECAP1):c.136C>T (p.Arg46Cys)

Gene: NECAP1 (NECAP endocytosis associated 1; plus strand). Cytogenetic location: 12p13.31.
Variant type: single nucleotide variant.
Coding change: c.136C>T on transcript NM_015509.4 (MANE Select); coding-DNA position 136, C replaced by T.
Protein change: p.Arg46Cys; replaces arginine 46 with cysteine.
Molecular consequence: missense variant. On other transcripts: non-coding transcript variant (1).
Genome position (GRCh38, 1-based): chr12:8,089,976, C>T. VCF-style: chr12-8089976-C-T. GRCh37 (hg19) VCF-style: chr12-8242572-C-T.
Other names: c.136C>T (NM_015509.3); short protein forms R46C.
Identifiers: ClinVar variation 1026219 (VCV001026219.7), dbSNP rs202044480, ClinGen allele CA6432173.
Genomic context (GRCh38, chr12:8,089,976, plus strand): 5'-TTCCTCTTTTCCTGTCCTAGGGCCTCTGACTGGAAATTAGACCAGCCTGATTGGACTGGT[C>T]GCCTCCGAATCACTTCAAAAGGGAAGACTGCCTATATCAAACTCGAGGATAAAGTTTCAG-3'
Protein context (NP_056324.2, residues 36-56): WKLDQPDWTG[Arg46Cys]LRITSKGKTA

ClinVar aggregate classification (germline): Uncertain significance. Review status: criteria provided, multiple submitters, no conflicts (2 of 4 stars). 2 submissions from 2 submitters: Uncertain significance (2). Last evaluated 2024-08-13.

Conditions:
Developmental and epileptic encephalopathy, 21 (DEE21). Also called: Early infantile epileptic encephalopathy 21. Identifiers: Orphanet 442835, MedGen C4014430, MONDO:0014360, OMIM 615833.

Allele frequency attached by ClinVar (database versions not stated): gnomAD 0.00002 and 0.00003; TOPMed 0.00002; gnomAD exomes 0.00004 and 0.00006; ExAC 0.00010.
gnomAD v4.1: 68 of 1,613,972 alleles (0.0042%); highest among the groups gnomAD compares: Non-Finnish European, 0.0056%; no homozygotes.

Submissions (2):

Labcorp Genetics (formerly Invitae), Labcorp
Classification: Uncertain significance for Developmental and epileptic encephalopathy, 21. Last evaluated: 2024-08-13. Review status: criteria provided, single submitter. Criteria: Invitae Variant Classification Sherloc (09022015). Collection method: clinical testing. Allele origin: germline.
Comment: This sequence change replaces arginine, which is basic and polar, with cysteine, which is neutral and slightly polar, at codon 46 of the NECAP1 protein (p.Arg46Cys). This variant is present in population databases (rs202044480, gnomAD 0.01%). This variant has not been reported in the literature in individuals affected with NECAP1-related conditions. ClinVar contains an entry for this variant (Variation ID: 1026219). An algorithm developed to predict the effect of missense changes on protein structure and function (PolyPhen-2) suggests that this variant is likely to be disruptive. In summary, the available evidence is currently insufficient to determine the role of this variant in disease. Therefore, it has been classified as a Variant of Uncertain Significance.

Revvity Omics, Revvity
Classification: Uncertain significance for Developmental and epileptic encephalopathy, 21. Last evaluated: 2019-01-29. Review status: criteria provided, single submitter. Criteria: ACMG Guidelines, 2015. Collection method: clinical testing. Allele origin: germline.